The following is an entry in ClinVar:

NM_000059.4(BRCA2):c.5585T>C (p.Val1862Ala)

Gene: BRCA2 (BRCA2 DNA repair associated; plus strand). Cytogenetic location: 13q13.1.
Variant type: single nucleotide variant.
Coding change: c.5585T>C on transcript NM_000059.4 (MANE Select); coding-DNA position 5585, T replaced by C.
Protein change: p.Val1862Ala; replaces valine 1862 with alanine.
Molecular consequence: missense variant.
Genome position (GRCh38, 1-based): chr13:32,339,940, T>C. VCF-style: chr13-32339940-T-C. GRCh37 (hg19) VCF-style: chr13-32914077-T-C.
Other names: c.5585T>C, p.Val1862Ala (NM_001406719.1, NM_001406720.1); short protein forms V1862A.
Identifiers: ClinVar variation 1719297 (VCV001719297.7), dbSNP rs1593905868, ClinGen allele CA387786028.

ClinVar aggregate classification (germline): Conflicting classifications of pathogenicity. Review status: criteria provided, conflicting classifications (1 of 4 stars). 2 submissions from 2 submitters: Uncertain significance (1); Likely benign (1). Last evaluated 2023-03-23.

Conditions:
Hereditary cancer-predisposing syndrome. Also called: Hereditary neoplastic syndrome; Neoplastic Syndromes, Hereditary; Hereditary Cancer Syndrome; Tumor predisposition. Identifiers: Orphanet 140162, MedGen C0027672, MeSH D009386, MONDO:0015356.
Hereditary breast ovarian cancer syndrome. Also called: BRCA1- and BRCA2-Associated Hereditary Breast and Ovarian Cancer; Hereditary breast and ovarian cancer syndrome (HBOC); Hereditary breast and/or ovarian cancer syndrome; Hereditary breast and ovarian cancer syndrome; Hereditary breast and ovarian cancer; Breast and ovarian cancer. Identifiers: Orphanet 145, MedGen C0677776, MeSH D061325, MONDO:0003582. Disease mechanism: loss of function.

Submissions (2):

University of Washington Department of Laboratory Medicine, University of Washington
Classification: Likely benign for Hereditary cancer-predisposing syndrome. Last evaluated: 2023-03-23. Review status: criteria provided, single submitter. Criteria: Dines et al. (Genet Med. 2020). Collection method: curation. Allele origin: germline.
Comment: Missense variant in a coldspot region where missense variants are very unlikely to be pathogenic (PMID:31911673).

BRCA2 exon 11 coldspot. Reclassification based on statistical prior probability.

Labcorp Genetics (formerly Invitae), Labcorp
Classification: Uncertain significance for Hereditary breast ovarian cancer syndrome. Last evaluated: 2022-09-13. Review status: criteria provided, single submitter. Criteria: Invitae Variant Classification Sherloc (09022015). Collection method: clinical testing. Allele origin: germline.
Comment: In summary, the available evidence is currently insufficient to determine the role of this variant in disease. Therefore, it has been classified as a Variant of Uncertain Significance. Advanced modeling of protein sequence and biophysical properties (such as structural, functional, and spatial information, amino acid conservation, physicochemical variation, residue mobility, and thermodynamic stability) performed at Invitae indicates that this missense variant is not expected to disrupt BRCA2 protein function. This variant has not been reported in the literature in individuals affected with BRCA2-related conditions. This variant is not present in population databases (gnomAD no frequency). This sequence change replaces valine, which is neutral and non-polar, with alanine, which is neutral and non-polar, at codon 1862 of the BRCA2 protein (p.Val1862Ala).